The following is an entry in ClinVar:

ClinVar aggregate classification (germline): Likely benign. Review status: criteria provided, multiple submitters, no conflicts (2 of 4 stars). 2 submissions from 2 submitters: Likely benign (2). Last evaluated 2025-07-01.

gnomAD v4.1: 22 of 1,613,920 alleles (0.0014%); highest among the groups gnomAD compares: Middle Eastern, 0.082%; no homozygotes.

Submissions (2):

CeGaT Center for Human Genetics Tuebingen
Classification: Likely benign. Last evaluated: 2025-07-01. Review status: criteria provided, single submitter. Criteria: CeGaT Center For Human Genetics Tuebingen Variant Classification Criteria Version 2. Collection method: clinical testing. Allele origin: germline. Affected: yes. Observed: 1 variant allele.
Comment: OSBPL2: BP4, BP7

Blueprint Genetics
Classification: Likely benign. Last evaluated: 2024-10-08. Review status: criteria provided, single submitter. Criteria: ACMG Guidelines, 2015. Collection method: clinical testing. Allele origin: germline.

NM_144498.4(OSBPL2):c.909G>C (p.Thr303=)

Gene: OSBPL2 (oxysterol binding protein like 2; plus strand). Cytogenetic location: 20q13.33.
Variant type: single nucleotide variant.
Coding change: c.909G>C on transcript NM_144498.4 (MANE Select); coding-DNA position 909, G replaced by C.
Protein change: p.Thr303=; no amino-acid change (threonine 303 retained).
Molecular consequence: synonymous variant.
Genome position (GRCh38, 1-based): chr20:62,284,082, G>C. VCF-style: chr20-62284082-G-C. GRCh37 (hg19) VCF-style: chr20-60859138-G-C.
Other names: c.633G>C, p.Thr211= (NM_001278649.3, NM_001363878.2); c.873G>C, p.Thr291= (NM_014835.5).
Identifiers: ClinVar variation 4084259 (VCV004084259.9).
Genomic context (GRCh38, chr20:62,284,082, plus strand): 5'-TTTAAAAATCCCATTTAATTACAGCAAAAAGAAGCTCTTTATGATCTATGGCAAATGGAC[G>C]GAATGTTTGTGGGGCATAGATCCTGTTTCGTATGAATCCTTCAAGAAGCAGGAGAGGAGA-3'
Protein context (NP_653081.1, residues 293-313): KKLFMIYGKW[Thr303=]ECLWGIDPVS